The following is an entry in ClinVar:

NM_138477.4(CDAN1):c.2185T>G (p.Leu729Val)

Gene: CDAN1 (codanin 1; minus strand). Cytogenetic location: 15q15.2.
Variant type: single nucleotide variant.
Coding change: c.2185T>G on transcript NM_138477.4 (MANE Select); coding-DNA position 2185, T replaced by G.
Protein change: p.Leu729Val; replaces leucine 729 with valine.
Molecular consequence: missense variant.
Genome position (GRCh38, 1-based): chr15:42,730,205, A>C on the plus strand (T>G on the coding strand, the complement: CDAN1 is on the minus strand). VCF-style: chr15-42730205-A-C. GRCh37 (hg19) VCF-style: chr15-43022403-A-C.
Other names: p.Leu729Val; c.2185T>G (NM_138477.2); short protein forms L729V.
Identifiers: ClinVar variation 2627670 (VCV002627670.3), dbSNP rs748032155, ClinGen allele CA7515770.

ClinVar aggregate classification (germline): Uncertain significance. Review status: criteria provided, multiple submitters, no conflicts (2 of 4 stars). 3 submissions from 3 submitters: Uncertain significance (3). Last evaluated 2025-01-14.

Conditions:
Inborn genetic diseases. Identifiers: MedGen C0950123, MeSH D030342.
Anemia, congenital dyserythropoietic, type 1a (CDAN1A). Also called: DYSERYTHROPOIETIC ANEMIA, CONGENITAL, TYPE Ia; CDAN1-Related Congenital Dyserythropoietic Anemia. Identifiers: MedGen C5574667, MONDO:0009135, OMIM 224120.

Allele frequency attached by ClinVar (database versions not stated): ExAC 0.00004.
gnomAD v4.1: 78 of 1,614,002 alleles (0.0048%); highest among the groups gnomAD compares: Non-Finnish European, 0.006%; no homozygotes.

Submissions (3):

Ambry Genetics
Classification: Uncertain significance for Inborn genetic diseases. Last evaluated: 2025-01-14. Review status: criteria provided, single submitter. Criteria: Ambry Variant Classification Scheme 2023. Collection method: clinical testing. Allele origin: germline.

Mayo Clinic Laboratories, Mayo Clinic
Classification: Uncertain significance. Last evaluated: 2023-02-28. Review status: criteria provided, single submitter. Criteria: ACMG Guidelines, 2015. Collection method: clinical testing. Allele origin: germline. Observed: 1 variant allele.
Comment: PM2

Neuberg Centre For Genomic Medicine, NCGM
Classification: Uncertain significance for Anemia, congenital dyserythropoietic, type 1a. Review status: criteria provided, single submitter. Criteria: ACMG Guidelines, 2015. Collection method: clinical testing. Allele origin: germline. Inheritance: Autosomal recessive inheritance. Affected: yes.
Comment: The missense variant p.L729V in CDAN1 (NM_138477.4) has not been reported previously as a pathogenic variant nor as a benign variant, to our knowledge. The p.L729V variant is observed in 7/1,13,766 (0.0062%) alleles from individuals of European (Non-Finnish) background in gnomAD Exomes and is novel (not in any individuals) in 1000 Genomes. The p.L729V missense variant is predicted to be damaging by both SIFT and PolyPhen2. The leucine residue at codon 729 of CDAN1 is conserved in all mammalian species. The nucleotide c.2185 in CDAN1 is predicted conserved by GERP++ and PhyloP across 100 vertebrates. For these reasons, this variant has been classified as Uncertain Significance.